The following is an entry in ClinVar:

ClinVar aggregate classification (germline): Conflicting classifications of pathogenicity. Review status: criteria provided, conflicting classifications (1 of 4 stars). 4 submissions from 4 submitters: Uncertain significance (3); Likely benign (1). Last evaluated 2026-01-05.

Conditions:
Inborn genetic diseases. Identifiers: MedGen C0950123, MeSH D030342.

Allele frequency attached by ClinVar (database versions not stated): gnomAD exomes 0.00003 and 0.00013; ExAC 0.00015; gnomAD 0.00039 and 0.00042; ESP Exome Variant Server 0.00046; TOPMed 0.00046; 1000 Genomes Project 0.00060; 1000 Genomes Project 30x 0.00109.

Submissions (4):

Labcorp Genetics (formerly Invitae), Labcorp
Classification: Uncertain significance. Last evaluated: 2026-01-05. Review status: criteria provided, single submitter. Criteria: Invitae Variant Classification Sherloc (09022015). Collection method: clinical testing. Allele origin: germline.
Comment: This sequence change replaces alanine, which is neutral and non-polar, with proline, which is neutral and non-polar, at codon 713 of the RBP3 protein (p.Ala713Pro). This variant is present in population databases (rs148332315, gnomAD 0.2%). This variant has not been reported in the literature in individuals affected with RBP3-related conditions. ClinVar contains an entry for this variant (Variation ID: 956354). An algorithm developed to predict the effect of missense changes on protein structure and function (PolyPhen-2) suggests that this variant is likely to be tolerated. In summary, the available evidence is currently insufficient to determine the role of this variant in disease. Therefore, it has been classified as a Variant of Uncertain Significance.

Ambry Genetics
Classification: Uncertain significance for Inborn genetic diseases. Last evaluated: 2025-07-12. Review status: criteria provided, single submitter. Criteria: Ambry Variant Classification Scheme 2023. Collection method: clinical testing. Allele origin: germline.

Blueprint Genetics
Classification: Likely benign. Last evaluated: 2024-09-18. Review status: criteria provided, single submitter. Criteria: ACMG Guidelines, 2015. Collection method: clinical testing. Allele origin: germline.

Breakthrough Genomics
Classification: Uncertain significance. Review status: criteria provided, single submitter. Criteria: ACMG Guidelines, 2015. Collection method: not provided. Allele origin: germline. Inheritance: Autosomal recessive inheritance. Affected: yes.

NM_002900.3(RBP3):c.2137G>C (p.Ala713Pro)

Gene: RBP3 (retinol binding protein 3; plus strand). Cytogenetic location: 10q11.22.
Variant type: single nucleotide variant.
Coding change: c.2137G>C on transcript NM_002900.3 (MANE Select); coding-DNA position 2137, G replaced by C.
Protein change: p.Ala713Pro; replaces alanine 713 with proline.
Molecular consequence: missense variant.
Genome position (GRCh38, 1-based): chr10:47,350,621, G>C. VCF-style: chr10-47350621-G-C. GRCh37 (hg19) VCF-style: chr10-48388741-C-G.
Other names: short protein forms A713P.
Identifiers: ClinVar variation 956354 (VCV000956354.10), dbSNP rs148332315, ClinGen allele CA5487348.